The following is an entry in ClinVar:

ClinVar aggregate classification (germline): Benign (1 of 4 stars; one submission).

Conditions:
Familial cancer of breast. Also called: hereditary breast carcinoma; Hereditary breast cancer; BREAST CANCER, FAMILIAL. Identifiers: Orphanet 227535, MedGen C0346153, MONDO:0016419, OMIM 114480. Disease mechanism: loss of function.

Submission:

Myriad Genetics, Inc.
Classification: Benign for Familial cancer of breast. Last evaluated: 2024-07-25. Review status: criteria provided, single submitter. Criteria: Myriad Autosomal Dominant, Autosomal Recessive and X-Linked Classification Criteria (2023). Collection method: clinical testing. Allele origin: unknown.
Comment: This variant is considered benign. This variant is a silent/synonymous amino acid change and it is not expected to impact splicing.

NM_000465.4(BARD1):c.1404T>G (p.Ala468=)

Gene: BARD1 (BRCA1 associated RING domain 1; minus strand). Cytogenetic location: 2q35.
Variant type: single nucleotide variant.
Coding change: c.1404T>G on transcript NM_000465.4 (MANE Select); coding-DNA position 1404, T replaced by G.
Protein change: p.Ala468=; no amino-acid change (alanine 468 retained).
Molecular consequence: synonymous variant. On other transcripts: non-coding transcript variant (3), intron variant (3).
Genome position (GRCh38, 1-based): chr2:214,767,646, A>C on the plus strand (T>G on the coding strand, the complement: BARD1 is on the minus strand). VCF-style: chr2-214767646-A-C. GRCh37 (hg19) VCF-style: chr2-215632370-A-C.
Other names: c.1347T>G, p.Ala449= (NM_001282543.2); c.159-15091T>G (NM_001282548.2); c.216-15091T>G (NM_001282545.2); c.364+24651T>G (NM_001282549.2).
Identifiers: ClinVar variation 3378986 (VCV003378986.1).